The following is an entry in ClinVar:

NM_000302.4(PLOD1):c.61G>A (p.Asp21Asn)

Gene: PLOD1 (procollagen-lysine,2-oxoglutarate 5-dioxygenase 1; plus strand). Cytogenetic location: 1p36.22.
Variant type: single nucleotide variant.
Coding change: c.61G>A on transcript NM_000302.4 (MANE Select); coding-DNA position 61, G replaced by A.
Protein change: p.Asp21Asn; replaces aspartic acid 21 with asparagine.
Molecular consequence: missense variant.
Genome position (GRCh38, 1-based): chr1:11,934,840, G>A. VCF-style: chr1-11934840-G-A. GRCh37 (hg19) VCF-style: chr1-11994897-G-A.
Other names: c.61G>A, p.Asp21Asn (NM_001316320.2); short protein forms D21N.
Identifiers: ClinVar variation 5026856 (VCV005026856.1).

ClinVar aggregate classification (germline): Uncertain significance (1 of 4 stars; one submission).

Conditions:
Familial thoracic aortic aneurysm and aortic dissection (TAAD). Also called: Thoracic aortic aneurysms and dissections. Identifiers: Orphanet 91387, MedGen C4707243, MONDO:0019625.

Submission:

Ambry Genetics
Classification: Uncertain significance for Familial thoracic aortic aneurysm and aortic dissection. Last evaluated: 2026-09-06. Review status: criteria provided, single submitter. Criteria: Ambry Variant Classification Scheme 2023. Collection method: clinical testing. Allele origin: germline.
Comment: The p.D21N variant (also known as c.61G>A), located in coding exon 1 of the PLOD1 gene, results from a G to A substitution at nucleotide position 61. The aspartic acid at codon 21 is replaced by asparagine, an amino acid with highly similar properties. This amino acid position is conserved. In addition, this alteration is predicted to be tolerated by in silico analysis. Based on the available evidence, the clinical significance of this variant remains unclear.